The following is an entry in ClinVar:

NM_003579.4(RAD54L):c.1327A>T (p.Ser443Cys)

Gene: RAD54L (RAD54 like; plus strand). Cytogenetic location: 1p34.1.
Variant type: single nucleotide variant.
Coding change: c.1327A>T on transcript NM_003579.4 (MANE Select); coding-DNA position 1327, A replaced by T.
Protein change: p.Ser443Cys; replaces serine 443 with cysteine.
Molecular consequence: missense variant.
Genome position (GRCh38, 1-based): chr1:46,272,754, A>T. VCF-style: chr1-46272754-A-T. GRCh37 (hg19) VCF-style: chr1-46738426-A-T.
Other names: c.1327A>T, p.Ser443Cys (NM_001142548.2); c.787A>T, p.Ser263Cys (NM_001370766.1); short protein forms S263C, S443C.
Identifiers: ClinVar variation 1770032 (VCV001770032.2), dbSNP rs1172387768, ClinGen allele CA340179647.

ClinVar aggregate classification (germline): Uncertain significance (1 of 4 stars; one submission).

Allele frequency attached by ClinVar (database versions not stated): TOPMed below 0.00001.

Submission:

Ambry Genetics
Classification: Uncertain significance. Last evaluated: 2022-06-22. Review status: criteria provided, single submitter. Criteria: Ambry Variant Classification Scheme 2023. Collection method: clinical testing. Allele origin: germline.
Comment: The p.S443C variant (also known as c.1327A>T), located in coding exon 12 of the RAD54L gene, results from an A to T substitution at nucleotide position 1327. The serine at codon 443 is replaced by cysteine, an amino acid with dissimilar properties. This amino acid position is conserved. In addition, the in silico prediction for this alteration is inconclusive. Since supporting evidence is limited at this time, the clinical significance of this alteration remains unclear.